The following is an entry in ClinVar:

NM_004656.4(BAP1):c.896A>G (p.Asn299Ser)

Gene: BAP1 (BRCA1 associated deubiquitinase 1; minus strand). Cytogenetic location: 3p21.1.
Variant type: single nucleotide variant.
Coding change: c.896A>G on transcript NM_004656.4 (MANE Select); coding-DNA position 896, A replaced by G.
Protein change: p.Asn299Ser; replaces asparagine 299 with serine.
Molecular consequence: missense variant.
Genome position (GRCh38, 1-based): chr3:52,405,800, T>C on the plus strand (A>G on the coding strand, the complement: BAP1 is on the minus strand). VCF-style: chr3-52405800-T-C. GRCh37 (hg19) VCF-style: chr3-52439816-T-C.
Other names: short protein forms N299S.
Identifiers: ClinVar variation 922110 (VCV000922110.5), dbSNP rs1705137441, ClinGen allele CA353106612.

ClinVar aggregate classification (germline): Uncertain significance (1 of 4 stars; one submission).

Conditions:
Hereditary cancer-predisposing syndrome. Also called: Neoplastic Syndromes, Hereditary; Tumor predisposition; Hereditary Cancer Syndrome; Hereditary neoplastic syndrome. Identifiers: Orphanet 140162, MedGen C0027672, MeSH D009386, MONDO:0015356.

Submission:

Color Diagnostics, LLC DBA Color Health
Classification: Uncertain significance for Hereditary cancer-predisposing syndrome. Last evaluated: 2023-03-29. Review status: criteria provided, single submitter. Criteria: ACMG Guidelines, 2015. Collection method: clinical testing. Allele origin: germline.
Comment: This missense variant replaces asparagine with serine at codon 299 of the BAP1 protein. Computational prediction suggests that this variant may not impact protein structure and function (internally defined REVEL score threshold <= 0.5, PMID: 27666373). Splice site prediction tools suggest that this variant may not impact RNA splicing. To our knowledge, functional studies have not been performed for this variant. This variant has not been reported in individuals affected with hereditary cancer in the literature. This variant has not been identified in the general population by the Genome Aggregation Database (gnomAD). The available evidence is insufficient to determine the role of this variant in disease conclusively. Therefore, this variant is classified as a Variant of Uncertain Significance.